The following is an entry in ClinVar:

ClinVar aggregate classification (germline): Uncertain significance (1 of 4 stars; one submission).

Conditions:
Wieacker-Wolff syndrome. Also called: Miles-Carpenter syndrome; APRAXIA, OCULOMOTOR, WITH CONGENITAL CONTRACTURES AND MUSCLE ATROPHY; CONTRACTURES OF FEET, MUSCLE ATROPHY, AND OCULOMOTOR APRAXIA; MENTAL RETARDATION, X-LINKED, SYNDROMIC 4; MENTAL RETARDATION, X-LINKED, WITH CONGENITAL CONTRACTURES AND LOW FINGERTIP ARCHES; Wieacker-Wolff, X-linked recessive. Identifiers: Orphanet 3454, Orphanet 85283, MedGen C0796200, MONDO:0010758, OMIM 314580.

Submission:

MVZ Medizinische Genetik Mainz
Classification: Uncertain significance for Wieacker-Wolff syndrome. Last evaluated: 2023-04-21. Review status: criteria provided, single submitter. Criteria: UK Practice Guidelines For Variant Classification V4 01 2020. Collection method: clinical testing. Allele origin: germline. Inheritance: Unknown mechanism. Affected: yes. Observed: 1 variant allele.
Comment: ACMG Criteria: PM2_SUP,PP3

NM_018684.4(ZC4H2):c.290T>C (p.Leu97Pro)

Gene: ZC4H2 (zinc finger C4H2-type containing; minus strand). Cytogenetic location: Xq11.2.
Variant type: single nucleotide variant.
Coding change: c.290T>C on transcript NM_018684.4 (MANE Select); coding-DNA position 290, T replaced by C.
Protein change: p.Leu97Pro; replaces leucine 97 with proline.
Molecular consequence: missense variant. On other transcripts: non-coding transcript variant (1).
Genome position (GRCh38, 1-based): chrX:64,920,189, A>G on the plus strand (T>C on the coding strand, the complement: ZC4H2 is on the minus strand). VCF-style: chrX-64920189-A-G. GRCh37 (hg19) VCF-style: chrX-64140069-A-G.
Other names: c.221T>C, p.Leu74Pro (NM_001178032.3, NM_001243804.2); c.290T>C, p.Leu97Pro (NM_001178033.3); short protein forms L74P, L97P.
Identifiers: ClinVar variation 3236147 (VCV003236147.1), dbSNP rs2519693922, ClinGen allele CA413411927.